The following is an entry in ClinVar:

ClinVar aggregate classification (germline): Uncertain significance (1 of 4 stars; one submission).

Submission:

GeneDx
Classification: Uncertain significance. Last evaluated: 2026-03-03. Review status: criteria provided, single submitter. Criteria: GeneDx Variant Classification Process June 2021. Collection method: clinical testing. Allele origin: germline.
Comment: Not observed at significant frequency in large population cohorts (gnomAD); Missense variant in a gene in which most reported pathogenic variants are truncating/loss of function; Has not been previously published as pathogenic or benign to our knowledge

NM_001267550.2(TTN):c.36340A>C (p.Lys12114Gln)

Gene: TTN (titin; minus strand). Cytogenetic location: 2q31.2.
Variant type: single nucleotide variant.
Coding change: c.36340A>C on transcript NM_001267550.2 (MANE Select); coding-DNA position 36340, A replaced by C.
Protein change: p.Lys12114Gln; replaces lysine 12114 with glutamine.
Molecular consequence: missense variant. On other transcripts: intron variant (5).
Genome position (GRCh38, 1-based): chr2:178,664,039, T>G on the plus strand (A>C on the coding strand, the complement: TTN is on the minus strand). VCF-style: chr2-178664039-T-G. GRCh37 (hg19) VCF-style: chr2-179528766-T-G.
Other names: c.13283-21722A>C (NM_003319.4); c.13859-21722A>C (NM_133437.4); c.13658-21722A>C (NM_133432.3); c.31484-984A>C (NM_133378.4); c.34265-984A>C (NM_001256850.1); short protein forms K12114Q.
Identifiers: ClinVar variation 5008293 (VCV005008293.1).